The following is an entry in ClinVar:

NM_001848.3(COL6A1):c.1654G>A (p.Ala552Thr)

Gene: COL6A1 (collagen type VI alpha 1 chain; plus strand). Cytogenetic location: 21q22.3.
Variant type: single nucleotide variant.
Coding change: c.1654G>A on transcript NM_001848.3 (MANE Select); coding-DNA position 1654, G replaced by A.
Protein change: p.Ala552Thr; replaces alanine 552 with threonine.
Molecular consequence: missense variant.
Genome position (GRCh38, 1-based): chr21:45,998,939, G>A. VCF-style: chr21-45998939-G-A. GRCh37 (hg19) VCF-style: chr21-47418853-G-A.
Other names: short protein forms A552T.
Identifiers: ClinVar variation 1466151 (VCV001466151.6), dbSNP rs1397088680, ClinGen allele CA410530604.

ClinVar aggregate classification (germline): Uncertain significance (1 of 4 stars; one submission).

Conditions:
Bethlem myopathy 1A. Also called: Bethlem myopathy 1; Bethlem Muscular Dystrophy; MYOPATHY, BENIGN CONGENITAL, WITH CONTRACTURES. Identifiers: Orphanet 610, MedGen CN029274, MONDO:0024530, OMIM 158810.

Submission:

Labcorp Genetics (formerly Invitae), Labcorp
Classification: Uncertain significance for Bethlem myopathy 1A. Last evaluated: 2025-07-07. Review status: criteria provided, single submitter. Criteria: Invitae Variant Classification Sherloc (09022015). Collection method: clinical testing. Allele origin: germline.
Comment: This sequence change replaces alanine, which is neutral and non-polar, with threonine, which is neutral and polar, at codon 552 of the COL6A1 protein (p.Ala552Thr). This variant is not present in population databases (gnomAD no frequency). This variant has not been reported in the literature in individuals affected with COL6A1-related conditions. ClinVar contains an entry for this variant (Variation ID: 1466151). Invitae Evidence Modeling of protein sequence and biophysical properties (such as structural, functional, and spatial information, amino acid conservation, physicochemical variation, residue mobility, and thermodynamic stability) indicates that this missense variant is not expected to disrupt COL6A1 protein function with a negative predictive value of 80%. In summary, the available evidence is currently insufficient to determine the role of this variant in disease. Therefore, it has been classified as a Variant of Uncertain Significance.